The following is an entry in ClinVar:

ClinVar aggregate classification (germline): Uncertain significance (1 of 4 stars; one submission).

Conditions:
Hyperphosphatasia with impaired intellectual development syndrome 2. Also called: Hyperphosphatasia with intellectual disability syndrome 2; GLYCOSYLPHOSPHATIDYLINOSITOL BIOSYNTHESIS DEFECT 6. Identifiers: Orphanet 247262, MedGen C3553637, MONDO:0013882, OMIM 614749.

Allele frequency attached by ClinVar (database versions not stated): ExAC 0.00002; gnomAD exomes 0.00001; TOPMed 0.00002; gnomAD 0.00001; ESP Exome Variant Server 0.00008.
gnomAD v4.1: 9 of 1,614,154 alleles (0.00056%); highest among the groups gnomAD compares: Admixed American, 0.0017%; no homozygotes.

Submission:

Labcorp Genetics (formerly Invitae), Labcorp
Classification: Uncertain significance for Hyperphosphatasia with impaired intellectual development syndrome 2. Last evaluated: 2024-10-17. Review status: criteria provided, single submitter. Criteria: Invitae Variant Classification Sherloc (09022015). Collection method: clinical testing. Allele origin: germline.
Comment: This sequence change replaces proline, which is neutral and non-polar, with serine, which is neutral and polar, at codon 481 of the PIGO protein (p.Pro481Ser). This variant is present in population databases (rs146556990, gnomAD 0.003%). This variant has not been reported in the literature in individuals affected with PIGO-related conditions. ClinVar contains an entry for this variant (Variation ID: 858964). Invitae Evidence Modeling of protein sequence and biophysical properties (such as structural, functional, and spatial information, amino acid conservation, physicochemical variation, residue mobility, and thermodynamic stability) indicates that this missense variant is not expected to disrupt PIGO protein function with a negative predictive value of 95%. In summary, the available evidence is currently insufficient to determine the role of this variant in disease. Therefore, it has been classified as a Variant of Uncertain Significance.

NM_032634.4(PIGO):c.1441C>T (p.Pro481Ser)

Gene: PIGO (phosphatidylinositol glycan anchor biosynthesis class O; minus strand). Cytogenetic location: 9p13.3.
Variant type: single nucleotide variant.
Coding change: c.1441C>T on transcript NM_032634.4 (MANE Select); coding-DNA position 1441, C replaced by T.
Protein change: p.Pro481Ser; replaces proline 481 with serine.
Molecular consequence: missense variant. On other transcripts: intron variant (2).
Genome position (GRCh38, 1-based): chr9:35,092,446, G>A on the plus strand (C>T on the coding strand, the complement: PIGO is on the minus strand). VCF-style: chr9-35092446-G-A. GRCh37 (hg19) VCF-style: chr9-35092443-G-A.
Other names: c.1344+97C>T (NM_152850.4, NM_001201484.2); short protein forms P481S.
Identifiers: ClinVar variation 858964 (VCV000858964.8), dbSNP rs146556990, ClinGen allele CA5040631.